The following is an entry in ClinVar:

NM_003743.5(NCOA1):c.3266A>G (p.Asn1089Ser)

Gene: NCOA1 (nuclear receptor coactivator 1; plus strand). Cytogenetic location: 2p23.3.
Variant type: single nucleotide variant.
Coding change: c.3266A>G on transcript NM_003743.5 (MANE Select); coding-DNA position 3266, A replaced by G.
Protein change: p.Asn1089Ser; replaces asparagine 1089 with serine.
Molecular consequence: missense variant.
Genome position (GRCh38, 1-based): chr2:24,739,496, A>G. VCF-style: chr2-24739496-A-G. GRCh37 (hg19) VCF-style: chr2-24962365-A-G.
Other names: c.3266A>G, p.Asn1089Ser (NM_001362950.1, NM_001362952.1, NM_001362954.1 and 3 more transcripts); short protein forms N1089S.
Identifiers: ClinVar variation 2633423 (VCV002633423.5), dbSNP rs762779555, ClinGen allele CA1552611.

ClinVar aggregate classification (germline): Uncertain significance. Review status: criteria provided, multiple submitters, no conflicts (2 of 4 stars). 2 submissions from 2 submitters: Uncertain significance (2). Last evaluated 2026-07-31.

Conditions:
NCOA1-related disorder. Also called: NCOA1-related condition.

Allele frequency attached by ClinVar (database versions not stated): gnomAD exomes 0.00003; ExAC 0.00018.
gnomAD v4.1: 48 of 1,613,984 alleles (0.003%); highest among the groups gnomAD compares: Admixed American, 0.075%; no homozygotes.

Submissions (2):

PreventionGenetics, part of Exact Sciences
Classification: Uncertain significance for NCOA1-related condition. Last evaluated: 2026-07-31. Review status: criteria provided, single submitter. Criteria: ACMG Guidelines, 2015. Collection method: clinical testing. Allele origin: germline.
Comment: The NCOA1 c.3266A>G variant is predicted to result in the amino acid substitution p.Asn1089Ser. To our knowledge, this variant has not been reported in the literature. This variant is reported in 0.10% of alleles in individuals of Latino descent in gnomAD, which may be too frequent to be an unreported primary cause of disease. Although we suspect that this variant may be benign, the clinical significance of this variant is uncertain at this time due to the absence of conclusive functional and genetic evidence.

Ambry Genetics
Classification: Uncertain significance. Last evaluated: 2025-01-26. Review status: criteria provided, single submitter. Criteria: Ambry Variant Classification Scheme 2023. Collection method: clinical testing. Allele origin: germline.